The following is an entry in ClinVar:

NM_015100.4(POGZ):c.2310C>G (p.Tyr770Ter)

Gene: POGZ (pogo transposable element derived with ZNF domain; minus strand). Cytogenetic location: 1q21.3.
Variant type: single nucleotide variant.
Coding change: c.2310C>G on transcript NM_015100.4 (MANE Select); coding-DNA position 2310, C replaced by G.
Protein change: p.Tyr770Ter; replaces tyrosine 770 with a stop codon.
Molecular consequence: nonsense.
Genome position (GRCh38, 1-based): chr1:151,408,165, G>C on the plus strand (C>G on the coding strand, the complement: POGZ is on the minus strand). VCF-style: chr1-151408165-G-C. GRCh37 (hg19) VCF-style: chr1-151380641-G-C.
Other names: c.2283C>G, p.Tyr761Ter (NM_001194937.2); c.2124C>G, p.Tyr708Ter (NM_001194938.2); c.2025C>G, p.Tyr675Ter (NM_145796.4); c.2151C>G, p.Tyr717Ter (NM_207171.2); short protein forms Y675*, Y708*, Y717*, Y761*, Y770*.
Identifiers: ClinVar variation 978966 (VCV000978966.4), dbSNP rs142133690, ClinGen allele CA341955290.

ClinVar aggregate classification (germline): Pathogenic. Review status: criteria provided, multiple submitters, no conflicts (2 of 4 stars). 3 submissions from 3 submitters: Pathogenic (3). Last evaluated 2025-12-18.

Conditions:
Intellectual disability. Also called: Intellectual functioning disability; Intellectual developmental disorder; intellectual disabilities. Identifiers: MedGen C3714756, MeSH D008607, MONDO:0001071, HP:0001249.
Intellectual disability-microcephaly-strabismus-behavioral abnormalities syndrome. Also called: White-Sutton Syndrome. Identifiers: Orphanet 468678, MedGen C4225351, MONDO:0014606, OMIM 616364.

gnomAD v4.1: 1 of 1,613,334 alleles (0.000062%); highest among the groups gnomAD compares: Non-Finnish European, 0.000085%; no homozygotes.

Submissions (3):

Clinical Genetics Laboratory, University Hospital Schleswig-Holstein
Classification: Pathogenic for Intellectual disability-microcephaly-strabismus-behavioral abnormalities syndrome. Last evaluated: 2025-12-18. Review status: criteria provided, single submitter. Criteria: ACMG Guidelines, 2015. Collection method: clinical testing. Allele origin: germline. Affected: yes. Observed: 1 heterozygote.
Comment: ACMG criteria applied: PM2, PS4_Moderate, PVS1, PM6

GeneDx
Classification: Pathogenic. Last evaluated: 2024-12-26. Review status: criteria provided, single submitter. Criteria: GeneDx Variant Classification Process June 2021. Collection method: clinical testing. Allele origin: germline. Affected: yes.
Comment: Nonsense variant predicted to result in protein truncation or nonsense mediated decay in a gene for which loss of function is a known mechanism of disease; This variant is associated with the following publications: (PMID: 33057194, 35982159, 37016333, 33277917, 31785789)

Diagnostic Laboratory, Strasbourg University Hospital
Classification: Pathogenic for Intellectual disability. Last evaluated: 2020-04-20. Review status: criteria provided, single submitter. Criteria: ACMG Guidelines, 2015. Collection method: clinical testing. Allele origin: de novo. Inheritance: Autosomal dominant inheritance. Affected: yes. Observed: 1 heterozygote.